The following is an entry in ClinVar:

ClinVar aggregate classification (germline): Conflicting classifications of pathogenicity. Review status: criteria provided, conflicting classifications (1 of 4 stars). 6 submissions from 6 submitters: Uncertain significance (1); Likely benign (4). 1 of the submissions does not count toward it. Last evaluated 2026-01-05.

Conditions:
Inborn genetic diseases. Identifiers: MedGen C0950123, MeSH D030342.
CNNM4-related disorder. Also called: CNNM4-related condition.
Jalili syndrome. Also called: CONE-ROD DYSTROPHY AND AMELOGENESIS IMPERFECTA. Identifiers: Orphanet 1873, MedGen C3495589, MONDO:0009007, OMIM 217080.

Allele frequency attached by ClinVar (database versions not stated): 1000 Genomes Project 0.00120; 1000 Genomes Project 30x 0.00125; gnomAD 0.00200 and 0.00214; TOPMed 0.00238; ESP Exome Variant Server 0.00254.
gnomAD v4.1: 560 of 1,614,124 alleles (0.035%); highest among the groups gnomAD compares: African/African-American, 0.65%; 1 homozygote.

Submissions (6):

Labcorp Genetics (formerly Invitae), Labcorp
Classification: Likely benign. Last evaluated: 2026-01-05. Review status: criteria provided, single submitter. Criteria: Invitae Variant Classification Sherloc (09022015). Collection method: clinical testing. Allele origin: germline.

Blueprint Genetics
Classification: Likely benign. Last evaluated: 2024-07-16. Review status: criteria provided, single submitter. Criteria: ACMG Guidelines, 2015. Collection method: clinical testing. Allele origin: germline.

Ambry Genetics
Classification: Uncertain significance for Inborn genetic diseases. Last evaluated: 2021-06-21. Review status: criteria provided, single submitter. Criteria: Ambry Variant Classification Scheme 2023. Collection method: clinical testing. Allele origin: germline.

Illumina Laboratory Services, Illumina
Classification: Likely benign for Jalili syndrome. Last evaluated: 2017-04-27. Review status: criteria provided, single submitter. Criteria: ICSL Variant Classification Criteria 13 December 2019. Collection method: clinical testing. Allele origin: germline.
Comment: This variant was observed as part of a predisposition screen in an ostensibly healthy population. A literature search was performed for the gene, cDNA change, and amino acid change (where applicable). No publications were found based on this search. Allele frequency data from public databases allowed determination this variant is unlikely to cause disease. Therefore, this variant is classified as likely benign.

Breakthrough Genomics
Classification: Likely benign. Review status: criteria provided, single submitter. Criteria: ACMG Guidelines, 2015. Collection method: not provided. Allele origin: germline. Inheritance: Autosomal recessive inheritance. Affected: yes.

PreventionGenetics, part of Exact Sciences
Classification: Benign for CNNM4-related condition. Last evaluated: 2019-08-29. Review status: no assertion criteria provided. Collection method: clinical testing. Allele origin: germline. Not counted in ClinVar's aggregate classification.
Comment: This variant is classified as benign based on ACMG/AMP sequence variant interpretation guidelines (Richards et al. 2015 PMID: 25741868, with internal and published modifications).

NM_020184.4(CNNM4):c.1541T>C (p.Met514Thr)

Gene: CNNM4 (cyclin and CBS domain divalent metal cation transport mediator 4; plus strand). Cytogenetic location: 2q11.2.
Variant type: single nucleotide variant.
Coding change: c.1541T>C on transcript NM_020184.4 (MANE Select); coding-DNA position 1541, T replaced by C.
Protein change: p.Met514Thr; replaces methionine 514 with threonine.
Molecular consequence: missense variant.
Genome position (GRCh38, 1-based): chr2:96,797,150, T>C. VCF-style: chr2-96797150-T-C. GRCh37 (hg19) VCF-style: chr2-97462887-T-C.
Other names: short protein forms M514T.
Identifiers: ClinVar variation 773839 (VCV000773839.18), dbSNP rs140192152, ClinGen allele CA1783378.